The following is an entry in ClinVar:

ClinVar aggregate classification (germline): Uncertain significance. Review status: criteria provided, multiple submitters, no conflicts (2 of 4 stars). 2 submissions from 2 submitters: Uncertain significance (2). Last evaluated 2025-06-30.

Conditions:
Inborn genetic diseases. Identifiers: MedGen C0950123, MeSH D030342.

gnomAD v4.1: 33 of 1,611,860 alleles (0.002%); highest among the groups gnomAD compares: Middle Eastern, 0.067%; no homozygotes.

Submissions (2):

Ambry Genetics
Classification: Uncertain significance for Inborn genetic diseases. Last evaluated: 2025-06-30. Review status: criteria provided, single submitter. Criteria: Ambry Variant Classification Scheme 2023. Collection method: clinical testing. Allele origin: germline.

Labcorp Genetics (formerly Invitae), Labcorp
Classification: Uncertain significance. Last evaluated: 2022-05-03. Review status: criteria provided, single submitter. Criteria: Invitae Variant Classification Sherloc (09022015). Collection method: clinical testing. Allele origin: germline.
Comment: This sequence change replaces glycine, which is neutral and non-polar, with alanine, which is neutral and non-polar, at codon 291 of the PLOD3 protein (p.Gly291Ala). This variant is present in population databases (rs200279103, gnomAD 0.003%). This variant has not been reported in the literature in individuals affected with PLOD3-related conditions. Algorithms developed to predict the effect of missense changes on protein structure and function (SIFT, PolyPhen-2, Align-GVGD) all suggest that this variant is likely to be tolerated. In summary, the available evidence is currently insufficient to determine the role of this variant in disease. Therefore, it has been classified as a Variant of Uncertain Significance.

NM_001084.5(PLOD3):c.872G>C (p.Gly291Ala)

Gene: PLOD3 (procollagen-lysine,2-oxoglutarate 5-dioxygenase 3; minus strand). Cytogenetic location: 7q22.1.
Variant type: single nucleotide variant.
Coding change: c.872G>C on transcript NM_001084.5 (MANE Select); coding-DNA position 872, G replaced by C.
Protein change: p.Gly291Ala; replaces glycine 291 with alanine.
Molecular consequence: missense variant.
Genome position (GRCh38, 1-based): chr7:101,212,849, C>G on the plus strand (G>C on the coding strand, the complement: PLOD3 is on the minus strand). VCF-style: chr7-101212849-C-G. GRCh37 (hg19) VCF-style: chr7-100856130-C-G.
Other names: c.872G>C (NM_001084.4); short protein forms G291A.
Identifiers: ClinVar variation 1380058 (VCV001380058.4), dbSNP rs200279103, ClinGen allele CA4407981.